The following is an entry in ClinVar:

NM_000540.3(RYR1):c.14593A>G (p.Asn4865Asp)

Gene: RYR1 (ryanodine receptor 1; plus strand). Cytogenetic location: 19q13.2.
Variant type: single nucleotide variant.
Coding change: c.14593A>G on transcript NM_000540.3 (MANE Select); coding-DNA position 14593, A replaced by G.
Protein change: p.Asn4865Asp; replaces asparagine 4865 with aspartic acid.
Molecular consequence: missense variant.
Genome position (GRCh38, 1-based): chr19:38,580,451, A>G. VCF-style: chr19-38580451-A-G. GRCh37 (hg19) VCF-style: chr19-39071091-A-G.
Other names: c.14578A>G, p.Asn4860Asp (NM_001042723.2); short protein forms N4860D, N4865D.
Identifiers: ClinVar variation 3385628 (VCV003385628.2).

ClinVar aggregate classification (germline): Uncertain significance. Review status: criteria provided, multiple submitters, no conflicts (2 of 4 stars). 2 submissions from 2 submitters: Uncertain significance (2). Last evaluated 2025-08-30.

Conditions:
Malignant hyperthermia, susceptibility to, 1 (MHS1). Also called: Anesthesia related hyperthermia; Malignant hyperpyrexia; Fulminating hyperpyrexia; Pharmacogenic myopathy; Malignant hyperthermia suceptibility 1; RYR1-Related Malignant Hyperthermia Susceptibility. Identifiers: Orphanet 423, MedGen C2930980, MONDO:0007783, OMIM 145600.

gnomAD v4.1: 1 of 1,614,160 alleles (0.000062%); highest among the groups gnomAD compares: Non-Finnish European, 0.000085%; no homozygotes.

Submissions (2):

Color Diagnostics, LLC DBA Color Health
Classification: Uncertain significance for Malignant hyperthermia, susceptibility to, 1. Last evaluated: 2025-08-30. Review status: criteria provided, single submitter. Criteria: ACMG Guidelines, 2015. Collection method: clinical testing. Allele origin: germline.
Comment: This missense variant replaces asparagine with aspartic acid at codon 4865 of the RYR1 protein. Computational prediction suggests that this variant may have deleterious impact on protein structure and function. To our knowledge, functional studies have not been reported for this variant. This variant has not been reported in individuals affected with RYR1-related disorders in the literature. This variant has been identified in 1/251484 chromosomes in the general population by the Genome Aggregation Database (gnomAD). The available evidence is insufficient to determine the role of this variant in disease conclusively. Therefore, this variant is classified as a Variant of Uncertain Significance.

All of Us Research Program, National Institutes of Health
Classification: Uncertain significance for Malignant hyperthermia, susceptibility to, 1. Last evaluated: 2024-03-05. Review status: criteria provided, single submitter. Criteria: ACMG Guidelines, 2015. Collection method: clinical testing. Allele origin: germline. Inheritance: Autosomal dominant inheritance. Observed: 1 variant allele, 1 heterozygote.
Comment: This study involves interpretation of variants in research participants for the purpose of population health screening. Participant phenotype was not available at the time of variant classification. Additional details can be found in publication PMID: 35346344, PMCID: PMC8962531